The following is an entry in ClinVar:

NM_001369.3(DNAH5):c.283C>T (p.Leu95Phe)

Gene: DNAH5 (dynein axonemal heavy chain 5; minus strand). Cytogenetic location: 5p15.2.
Variant type: single nucleotide variant.
Coding change: c.283C>T on transcript NM_001369.3 (MANE Select); coding-DNA position 283, C replaced by T.
Protein change: p.Leu95Phe; replaces leucine 95 with phenylalanine.
Molecular consequence: missense variant.
Genome position (GRCh38, 1-based): chr5:13,923,435, G>A on the plus strand (C>T on the coding strand, the complement: DNAH5 is on the minus strand). VCF-style: chr5-13923435-G-A. GRCh37 (hg19) VCF-style: chr5-13923544-G-A.
Other names: p.Leu95Phe; short protein forms L95F.
Identifiers: ClinVar variation 1796697 (VCV001796697.4), dbSNP rs757542755, ClinGen allele CA3205218.

ClinVar aggregate classification (germline): Uncertain significance. Review status: criteria provided, multiple submitters, no conflicts (2 of 4 stars). 3 submissions from 3 submitters: Uncertain significance (3). Last evaluated 2024-03-20.

Conditions:
Primary ciliary dyskinesia. Also called: Ciliary dyskinesia. Identifiers: Orphanet 244, MedGen C0008780, MONDO:0016575, HP:0012265.
Primary ciliary dyskinesia 3. Identifiers: Orphanet 244, MedGen C1837618, MONDO:0012085, OMIM 608644.

Allele frequency attached by ClinVar (database versions not stated): ExAC 0.00001.
gnomAD v4.1: 24 of 1,613,924 alleles (0.0015%); highest among the groups gnomAD compares: Non-Finnish European, 0.002%; no homozygotes.

Submissions (3):

Mayo Clinic Laboratories, Mayo Clinic
Classification: Uncertain significance. Last evaluated: 2024-03-20. Review status: criteria provided, single submitter. Criteria: ACMG Guidelines, 2015. Collection method: clinical testing. Allele origin: germline. Observed: 1 variant allele.
Comment: BP4

Fulgent Genetics
Classification: Uncertain significance for Primary ciliary dyskinesia 3. Last evaluated: 2023-12-29. Review status: criteria provided, single submitter. Criteria: ACMG Guidelines, 2015. Collection method: clinical testing. Allele origin: germline.

Ambry Genetics
Classification: Uncertain significance for Primary ciliary dyskinesia. Last evaluated: 2022-06-12. Review status: criteria provided, single submitter. Criteria: Ambry Variant Classification Scheme 2023. Collection method: clinical testing. Allele origin: germline.
Comment: The p.L95F variant (also known as c.283C>T), located in coding exon 4 of the DNAH5 gene, results from a C to T substitution at nucleotide position 283. The leucine at codon 95 is replaced by phenylalanine, an amino acid with highly similar properties. This amino acid position is conserved. In addition, this alteration is predicted to be tolerated by in silico analysis. Since supporting evidence is limited at this time, the clinical significance of this alteration remains unclear.